The following is an entry in ClinVar:

NM_000214.3(JAG1):c.842A>C (p.Gln281Pro)

Gene: JAG1 (jagged canonical Notch ligand 1; minus strand). Cytogenetic location: 20p12.2.
Variant type: single nucleotide variant.
Coding change: c.842A>C on transcript NM_000214.3 (MANE Select); coding-DNA position 842, A replaced by C.
Protein change: p.Gln281Pro; replaces glutamine 281 with proline.
Molecular consequence: missense variant.
Genome position (GRCh38, 1-based): chr20:10,652,512, T>G on the plus strand (A>C on the coding strand, the complement: JAG1 is on the minus strand). VCF-style: chr20-10652512-T-G. GRCh37 (hg19) VCF-style: chr20-10633160-T-G.
Other names: short protein forms Q281P.
Identifiers: ClinVar variation 3573382 (VCV003573382.2).

Conditions:
Arteriohepatic dysplasia. Also called: Alagille Syndrome. Identifiers: Orphanet 52, MedGen C0085280, MeSH D016738, MONDO:0007318.

Submission:

Gilbert/Spinner Lab, Children's Hospital of Philadelphia
No classification provided (evidence only). Condition: Alagille syndrome. Review status: no classification provided. Collection method: research. Allele origin: not applicable. Functional consequence: functionally_abnormal.
ClinVar note: "not provided" was previously submitted as the classification for the variant. However, the classification appeared to be based only on an observation of functional data so it was converted to no classification on 2025-07-30.